The following is an entry in ClinVar:

ClinVar aggregate classification (germline): Uncertain significance (1 of 4 stars; one submission).

Conditions:
Long QT syndrome (LQTS). Identifiers: MedGen C0023976, MeSH D008133, MONDO:0002442. Disease mechanism: loss of function. Inheritance: Various modes of inheritance.

Submission:

Labcorp Genetics (formerly Invitae), Labcorp
Classification: Uncertain significance for Long QT syndrome. Last evaluated: 2024-11-13. Review status: criteria provided, single submitter. Criteria: Invitae Variant Classification Sherloc (09022015). Collection method: clinical testing. Allele origin: germline.
Comment: This sequence change replaces serine, which is neutral and polar, with arginine, which is basic and polar, at codon 930 of the KCNH2 protein (p.Ser930Arg). This variant is not present in population databases (gnomAD no frequency). This variant has not been reported in the literature in individuals affected with KCNH2-related conditions. An algorithm developed to predict the effect of missense changes on protein structure and function (PolyPhen-2) suggests that this variant is likely to be disruptive. In summary, the available evidence is currently insufficient to determine the role of this variant in disease. Therefore, it has been classified as a Variant of Uncertain Significance.

NM_000238.4(KCNH2):c.2790C>A (p.Ser930Arg)

Gene: KCNH2 (potassium voltage-gated channel subfamily H member 2; minus strand). Cytogenetic location: 7q36.1.
Variant type: single nucleotide variant.
Coding change: c.2790C>A on transcript NM_000238.4 (MANE Select); coding-DNA position 2790, C replaced by A.
Protein change: p.Ser930Arg; replaces serine 930 with arginine.
Molecular consequence: missense variant.
Genome position (GRCh38, 1-based): chr7:150,947,781, G>T on the plus strand (C>A on the coding strand, the complement: KCNH2 is on the minus strand). VCF-style: chr7-150947781-G-T. GRCh37 (hg19) VCF-style: chr7-150644869-G-T.
Other names: c.2502C>A, p.Ser834Arg (NM_001406753.1); c.1770C>A, p.Ser590Arg (NM_172057.3); short protein forms S930R, S834R, S590R.
Identifiers: ClinVar variation 3725196 (VCV003725196.2).